The following is an entry in ClinVar:

ClinVar aggregate classification (germline): not provided (0 of 4 stars; one submission).

Submission:

James Howe Lab, University of Iowa Hospital and Clinics
No classification provided. Review status: no classification provided. Collection method: not provided. Allele origin: unknown.
Comment: Analysis of CDKN1B mutations in 86 patients with small bowel neuroendocrine tumors and 68 patients with pancreas neuroendocrine tumors.

NM_013241.3(FHOD1):c.635C>T (p.Ala212Val)

Genes: FHOD1 (formin homology 2 domain containing 1; minus strand), LOC126862378 (BRD4-independent group 4 enhancer GRCh37_chr16:67271286-67272485; plus strand). Cytogenetic location: 16q22.1.
Variant type: single nucleotide variant.
Coding change: c.635C>T on transcript NM_013241.3 (MANE Select); coding-DNA position 635, C replaced by T.
Protein change: p.Ala212Val; replaces alanine 212 with valine.
Molecular consequence: missense variant.
Genome position (GRCh38, 1-based): chr16:67,238,041, G>A on the plus strand (C>T on the coding strand, the complement: FHOD1 is on the minus strand). VCF-style: chr16-67238041-G-A. GRCh37 (hg19) VCF-style: chr16-67271944-G-A.
Other names: c.635C>T, p.Ala212Val (NM_001318202.2); short protein forms A212V.
Identifiers: ClinVar variation 156714 (VCV000156714.1), dbSNP rs587777904, ClinGen allele CA248418.
Genomic context (GRCh38, chr16:67,238,041, plus strand): 5'-CCCAGAGAGAAGCAACAGGCAAAGGGTATAAGGCTGAGTGGAGAGCCACTTACCAGGCTG[G>A]CACACAATGTGTACAGCCACTGAATAGTGTCACTGTGGGCCACCACCCCCAGCATTCCAT-3'
Protein context (NP_037373.2, residues 202-222): DTIQWLYTLC[Ala212Val]SLSRLVVKTA